The following is an entry in ClinVar:

NM_001277115.2(DNAH11):c.8716A>G (p.Met2906Val)

Gene: DNAH11 (dynein axonemal heavy chain 11; plus strand). Cytogenetic location: 7p15.3.
Variant type: single nucleotide variant.
Coding change: c.8716A>G on transcript NM_001277115.2 (MANE Select); coding-DNA position 8716, A replaced by G.
Protein change: p.Met2906Val; replaces methionine 2906 with valine.
Molecular consequence: missense variant.
Genome position (GRCh38, 1-based): chr7:21,749,720, A>G. VCF-style: chr7-21749720-A-G. GRCh37 (hg19) VCF-style: chr7-21789338-A-G.
Other names: c.8716A>G (NM_001277115.1); c.8737A>G, p.Met2913Val (NM_003777.3); short protein forms M2913V, M2906V.
Identifiers: ClinVar variation 2741207 (VCV002741207.4), dbSNP rs1412176108, ClinGen allele CA366955777.

ClinVar aggregate classification (germline): Conflicting classifications of pathogenicity. Review status: criteria provided, conflicting classifications (1 of 4 stars). 2 submissions from 2 submitters: Uncertain significance (1); Likely benign (1). Last evaluated 2025-06-19.

Conditions:
Primary ciliary dyskinesia. Also called: Ciliary dyskinesia. Identifiers: Orphanet 244, MedGen C0008780, MONDO:0016575, HP:0012265.

Allele frequency attached by ClinVar (database versions not stated): gnomAD 0.00001; gnomAD exomes 0.00001; TOPMed 0.00002.
gnomAD v4.1: 22 of 1,613,914 alleles (0.0014%); highest among the groups gnomAD compares: Middle Eastern, 0.033%; no homozygotes.

Submissions (2):

Labcorp Genetics (formerly Invitae), Labcorp
Classification: Likely benign for Primary ciliary dyskinesia. Last evaluated: 2025-06-19. Review status: criteria provided, single submitter. Criteria: Invitae Variant Classification Sherloc (09022015). Collection method: clinical testing. Allele origin: germline.

Ambry Genetics
Classification: Uncertain significance for Primary ciliary dyskinesia. Last evaluated: 2025-03-25. Review status: criteria provided, single submitter. Criteria: Ambry Variant Classification Scheme 2023. Collection method: clinical testing. Allele origin: germline.
Comment: The p.M2906V variant (also known as c.8716A>G), located in coding exon 53 of the DNAH11 gene, results from an A to G substitution at nucleotide position 8716. The methionine at codon 2906 is replaced by valine, an amino acid with highly similar properties. This amino acid position is conserved. In addition, this alteration is predicted to be tolerated by in silico analysis. Based on the available evidence, the clinical significance of this variant remains unclear.